The following is an entry in ClinVar:

NM_001183.6(ATP6AP1):c.1030C>T (p.Arg344Cys)

Gene: ATP6AP1 (ATPase H+ transporting accessory protein 1; plus strand). Cytogenetic location: Xq28.
Variant type: single nucleotide variant.
Coding change: c.1030C>T on transcript NM_001183.6 (MANE Select); coding-DNA position 1030, C replaced by T.
Protein change: p.Arg344Cys; replaces arginine 344 with cysteine.
Molecular consequence: missense variant.
Genome position (GRCh38, 1-based): chrX:154,435,332, C>T. VCF-style: chrX-154435332-C-T. GRCh37 (hg19) VCF-style: chrX-153663678-C-T.
Other names: c.1030C>T (NM_001183.5); short protein forms R344C.
Identifiers: ClinVar variation 2186375 (VCV002186375.7), dbSNP rs782690014, ClinGen allele CA10562754.

ClinVar aggregate classification (germline): Conflicting classifications of pathogenicity. Review status: criteria provided, conflicting classifications (1 of 4 stars). 3 submissions from 3 submitters: Uncertain significance (2); Benign (1). Last evaluated 2026-01-06.

Conditions:
ATP6AP1-related disorder. Also called: ATP6AP1-related disorders; ATP6AP1-related condition.

Allele frequency attached by ClinVar (database versions not stated): gnomAD exomes 0.00002; ExAC 0.00001; TOPMed 0.00001.
gnomAD v4.1: 22 of 1,211,857 alleles (0.0018%); highest among the groups gnomAD compares: Admixed American, 0.011%; no homozygotes.

Submissions (3):

Labcorp Genetics (formerly Invitae), Labcorp
Classification: Benign. Last evaluated: 2026-01-06. Review status: criteria provided, single submitter. Criteria: Invitae Variant Classification Sherloc (09022015). Collection method: clinical testing. Allele origin: germline.

Dasa
Classification: Uncertain significance. Last evaluated: 2025-08-10. Review status: criteria provided, single submitter. Criteria: DASA Assertion Criteria. Collection method: clinical testing. Allele origin: germline.
Comment: NM_001183.6(ATP6AP1):c.1030C>T (p.Arg344Cys) is a missense variant that results in the substitution of arginine with cysteine. This variant is rare in population databases. The currently available literature and clinical evidence are not sufficient to establish a definitive association between this variant and the reported condition. Therefore, this variant is classified as a variant of uncertain significance.

PreventionGenetics, part of Exact Sciences
Classification: Uncertain significance for ATP6AP1-related condition. Last evaluated: 2023-03-13. Review status: criteria provided, single submitter. Criteria: ACMG Guidelines, 2015. Collection method: clinical testing. Allele origin: germline.
Comment: The ATP6AP1 c.1030C>T variant is predicted to result in the amino acid substitution p.Arg344Cys. To our knowledge, this variant has not been reported in the literature. This variant is reported in 0.015% of alleles in individuals of Latino descent in gnomAD. Although we suspect that this variant may be benign, at this time, the clinical significance of this variant is uncertain due to the absence of conclusive functional and genetic evidence.